The following is an entry in ClinVar:

ClinVar aggregate classification (germline): Uncertain significance (1 of 4 stars; one submission).

Submission:

GeneDx
Classification: Uncertain significance. Last evaluated: 2015-11-23. Review status: criteria provided, single submitter. Criteria: GeneDx Variant Classification (06012015). Collection method: clinical testing. Allele origin: germline. Affected: yes.
Comment: The Y55D variant in the COL12A1 gene has not been reported previously as a pathogenic variant, nor as a benign variant, to our knowledge. The Y55D variant was not observed in approximately 5900 individuals of European and African American ancestry in the NHLBI Exome Sequencing Project, indicating it is not a common benign variant in these populations. The Y55D variant is a non-conservative amino acid substitution, which is likely to impact secondary protein structure as these residues differ in polarity, charge, size and/or other properties. This substitution occurs at a position that is not conserved across species. In silico analysis predicts this variant is probably damaging to the protein structure/function. We interpret Y55D as a variant of uncertain significance.

NM_004370.6(COL12A1):c.163T>G (p.Tyr55Asp)

Gene: COL12A1 (collagen type XII alpha 1 chain; minus strand). Cytogenetic location: 6q13.
Variant type: single nucleotide variant.
Coding change: c.163T>G on transcript NM_004370.6 (MANE Select); coding-DNA position 163, T replaced by G.
Protein change: p.Tyr55Asp; replaces tyrosine 55 with aspartic acid.
Molecular consequence: missense variant. On other transcripts: intron variant (1).
Genome position (GRCh38, 1-based): chr6:75,194,858, A>C on the plus strand (T>G on the coding strand, the complement: COL12A1 is on the minus strand). VCF-style: chr6-75194858-A-C. GRCh37 (hg19) VCF-style: chr6-75904574-A-C.
Other names: c.73+7862T>G (NM_080645.3); short protein forms Y55D.
Identifiers: ClinVar variation 449544 (VCV000449544.2), dbSNP rs1554189322, ClinGen allele CA364731891.
Genomic context (GRCh38, chr6:75,194,858, plus strand): 5'-CTTCTGTCCTAAAACCCCAGTCTCAAAACTTACCCGTTGTAGGGTCCACCGTTATTCTGT[A>C]ACCCACAATTGGATCAACTGGTTTTGCCCATGACATATGAACAGTATTTTCATCTATAAT-3'
Protein context (NP_004361.3, residues 45-65): WAKPVDPIVG[Tyr55Asp]RITVDPTTDG